The following is an entry in ClinVar:

NM_000487.6(ARSA):c.636C>T (p.Ala212=)

Gene: ARSA (arylsulfatase A; minus strand). Cytogenetic location: 22q13.33.
Variant type: single nucleotide variant.
Coding change: c.636C>T on transcript NM_000487.6 (MANE Select); coding-DNA position 636, C replaced by T.
Protein change: p.Ala212=; no amino-acid change (alanine 212 retained).
Molecular consequence: synonymous variant.
Genome position (GRCh38, 1-based): chr22:50,626,882, G>A on the plus strand (C>T on the coding strand, the complement: ARSA is on the minus strand). VCF-style: chr22-50626882-G-A. GRCh37 (hg19) VCF-style: chr22-51065310-G-A.
Other names: c.636C>T, p.Ala212= (NM_001085425.3, NM_001085426.3, NM_001085427.3); c.378C>T, p.Ala126= (NM_001085428.3, NM_001362782.2).
Identifiers: ClinVar variation 93126 (VCV000093126.54), dbSNP rs200182983, ClinGen allele CA146677.
Genomic context (GRCh38, chr22:50,626,882, plus strand): 5'-AAGATCACTTACGTGAGAGGCATAGTACAGGAAGAAGGGGCGATCCTGGCGCTGGGCGTC[G>A]GCCATGAGGTCATGGGCGAAAGCCATGTAGCGGGCCTCTAGTCCGGGCAGCCAGGGGGGC-3'
Protein context (NP_000478.3, residues 202-222): RYMAFAHDLM[Ala212=]DAQRQDRPFF

ClinVar aggregate classification (germline): Benign/Likely benign. Review status: criteria provided, multiple submitters, no conflicts (2 of 4 stars). 5 submissions from 5 submitters: Benign (2); Likely benign (3). Last evaluated 2026-01-27.

Conditions:
Metachromatic leukodystrophy (MLD). Also called: METACHROMATIC LEUKOENCEPHALOPATHY; SULFATIDE LIPIDOSIS; ARSA DEFICIENCY; CEREBROSIDE SULFATASE DEFICIENCY; Arylsulfatase A Deficiency; Cerebral sclerosis diffuse metachromatic form. Identifiers: Orphanet 512, MedGen C0023522, MONDO:0018868, OMIM 250100.

Allele frequency attached by ClinVar (database versions not stated): gnomAD 0.00021 and 0.00030; TOPMed 0.00022; 1000 Genomes Project 30x 0.00031; 1000 Genomes Project 0.00040; gnomAD exomes 0.00046 and 0.00073; ExAC 0.00083.

Submissions (5):

Labcorp Genetics (formerly Invitae), Labcorp
Classification: Benign for Metachromatic leukodystrophy. Last evaluated: 2026-01-27. Review status: criteria provided, single submitter. Criteria: Invitae Variant Classification Sherloc (09022015). Collection method: clinical testing. Allele origin: germline.

Blueprint Genetics
Classification: Likely benign. Last evaluated: 2024-11-21. Review status: criteria provided, single submitter. Criteria: ACMG Guidelines, 2015. Collection method: clinical testing. Allele origin: germline.

CeGaT Center for Human Genetics Tuebingen
Classification: Likely benign. Last evaluated: 2023-10-01. Review status: criteria provided, single submitter. Criteria: CeGaT Center For Human Genetics Tuebingen Variant Classification Criteria Version 2. Collection method: clinical testing. Allele origin: germline. Affected: yes. Observed: 6 variant alleles.
Comment: ARSA: BP4, BP7

Eurofins Ntd Llc (ga)
Classification: Benign. Last evaluated: 2012-11-26. Review status: criteria provided, single submitter. Criteria: EGL Classification Definitions 2015. Collection method: clinical testing. Allele origin: germline. Observed: 2 variant alleles, 2 heterozygotes.

PreventionGenetics, part of Exact Sciences
Classification: Likely benign. Review status: criteria provided, single submitter. Criteria: ACMG Guidelines, 2015. Collection method: clinical testing. Allele origin: germline.